The following is an entry in ClinVar:

ClinVar aggregate classification (germline): Likely benign. Review status: criteria provided, multiple submitters, no conflicts (2 of 4 stars). 2 submissions from 2 submitters: Likely benign (2). Last evaluated 2026-08-15.

Conditions:
WNK1-related disorder. Also called: WNK1-related condition.
Neuropathy, hereditary sensory and autonomic, type 2A (HSAN2A). Also called: ACROOSTEOLYSIS, GIACCAI TYPE; ACROOSTEOLYSIS, NEUROGENIC; MORVAN DISEASE; NEUROPATHY, CONGENITAL SENSORY; NEUROPATHY, HEREDITARY SENSORY RADICULAR, AUTOSOMAL RECESSIVE; NEUROPATHY, HEREDITARY SENSORY, TYPE IIA. Identifiers: Orphanet 970, MedGen C2752089, MONDO:0024309, OMIM 201300.
Pseudohypoaldosteronism type 2C (PHA2C). Also called: Pseudohypoaldosteronism Type IIC. Identifiers: Orphanet 757, Orphanet 88940, MedGen C1840391, MONDO:0013778, OMIM 614492.

Allele frequency attached by ClinVar (database versions not stated): TOPMed 0.00001; gnomAD exomes 0.00002.
gnomAD v4.1: 29 of 1,613,846 alleles (0.0018%); highest among the groups gnomAD compares: Non-Finnish European, 0.0024%; no homozygotes.

Submissions (2):

PreventionGenetics, part of Exact Sciences
Classification: Likely benign for WNK1-related condition. Last evaluated: 2026-08-15. Review status: criteria provided, single submitter. Criteria: ACMG Guidelines, 2015. Collection method: clinical testing. Allele origin: germline.
Comment: This variant is classified as likely benign based on ACMG/AMP sequence variant interpretation guidelines (Richards et al. 2015 PMID: 25741868, with internal and published modifications).

Labcorp Genetics (formerly Invitae), Labcorp
Classification: Likely benign for Neuropathy, hereditary sensory and autonomic, type 2A; Pseudohypoaldosteronism type 2C. Last evaluated: 2023-03-06. Review status: criteria provided, single submitter. Criteria: Invitae Variant Classification Sherloc (09022015). Collection method: clinical testing. Allele origin: germline.

NM_213655.5(WNK1):c.3597C>T (p.Ala1199=)

Gene: WNK1 (WNK lysine deficient protein kinase 1; plus strand). Cytogenetic location: 12p13.33.
Variant type: single nucleotide variant.
Coding change: c.3597C>T on transcript NM_213655.5 (MANE Plus Clinical); coding-DNA position 3597, C replaced by T.
Protein change: p.Ala1199=; no amino-acid change (alanine 1199 retained).
Molecular consequence: synonymous variant. On other transcripts: intron variant (2).
Genome position (GRCh38, 1-based): chr12:869,068, C>T. VCF-style: chr12-869068-C-T. GRCh37 (hg19) VCF-style: chr12-978234-C-T.
Other names: c.3342C>T, p.Ala1114= (NM_001184985.2); c.2140-2197C>T (NM_018979.4, NM_014823.3); c.3342C>T (NM_001184985.1).
Identifiers: ClinVar variation 1125174 (VCV001125174.10), dbSNP rs72649857, ClinGen allele CA231500014.
Genomic context (GRCh38, chr12:869,068, plus strand): 5'-AGAATCCCCACTTTTCTTCTGTTTCCCCCAAGGAACCACATCTCAGCAGGTCTTAACTGC[C>T]TCATTTTCTTCAGGAGGATCTGCACTTCATCCACAGGTTATAGGAAAACTTCCACAATTA-3'
Protein context (NP_998820.3, residues 1189-1209): QGTTSQQVLT[Ala1199=]SFSSGGSALH